The following is an entry in ClinVar:

NM_000543.5(SMPD1):c.807C>T (p.Ala269=)

Gene: SMPD1 (sphingomyelin phosphodiesterase 1; plus strand). Cytogenetic location: 11p15.4.
Variant type: single nucleotide variant.
Coding change: c.807C>T on transcript NM_000543.5 (MANE Select); coding-DNA position 807, C replaced by T.
Protein change: p.Ala269=; no amino-acid change (alanine 269 retained).
Molecular consequence: synonymous variant. On other transcripts: 5 prime UTR variant (1), non-coding transcript variant (1).
Genome position (GRCh38, 1-based): chr11:6,391,872, C>T. VCF-style: chr11-6391872-C-T. GRCh37 (hg19) VCF-style: chr11-6413102-C-T.
Other names: p.Ala269=; c.804C>T, p.Ala268= (NM_001007593.3); c.807C>T, p.Ala269= (NM_001318087.2, NM_001365135.2); c.-155C>T (NM_001318088.2).
Identifiers: ClinVar variation 286248 (VCV000286248.26), dbSNP rs35933246, ClinGen allele CA5852689.

ClinVar aggregate classification (germline): Benign. Review status: criteria provided, multiple submitters, no conflicts (2 of 4 stars). 8 submissions from 8 submitters: Benign (7). 1 of the submissions does not count toward it. Last evaluated 2026-02-04.

Conditions:
Niemann-Pick disease, type A. Also called: SPHINGOMYELIN LIPIDOSIS; SPHINGOMYELINASE DEFICIENCY; Infantile Neurovisceral ASMD (Niemann-Pick Disease Type A; NPD-A). Identifiers: Orphanet 77292, MedGen C0268242, MONDO:0009756, OMIM 257200. Disease mechanism: loss of function.
Niemann-Pick disease, type B. Also called: Chronic Visceral ASMD (Niemann-Pick Disease Type B; NPD-B). Identifiers: Orphanet 77293, MedGen C0268243, MONDO:0011871, OMIM 607616. Disease mechanism: loss of function.

Allele frequency attached by ClinVar (database versions not stated): gnomAD 0.01494 and 0.01598; ESP Exome Variant Server 0.01724; TOPMed 0.01815; 1000 Genomes Project 0.01817; 1000 Genomes Project 30x 0.01936.
gnomAD v4.1: 4,407 of 1,614,092 alleles (0.27%); highest among the groups gnomAD compares: African/African-American, 5.3%; 111 homozygotes.

Submissions (8):

Labcorp Genetics (formerly Invitae), Labcorp
Classification: Benign for Niemann-Pick disease, type B; Niemann-Pick disease, type A. Last evaluated: 2026-02-04. Review status: criteria provided, single submitter. Criteria: Invitae Variant Classification Sherloc (09022015). Collection method: clinical testing. Allele origin: germline.

Mayo Clinic Laboratories, Mayo Clinic
Classification: Benign. Last evaluated: 2022-04-29. Review status: criteria provided, single submitter. Criteria: ACMG Guidelines, 2015. Collection method: clinical testing. Allele origin: germline. Observed: 15 variant alleles.

GeneDx
Classification: Benign. Last evaluated: 2018-06-13. Review status: criteria provided, single submitter. Criteria: GeneDx Variant Classification (06012015). Collection method: clinical testing. Allele origin: germline. Affected: yes.
Comment: This variant is considered likely benign or benign based on one or more of the following criteria: it is a conservative change, it occurs at a poorly conserved position in the protein, it is predicted to be benign by multiple in silico algorithms, and/or has population frequency not consistent with disease.

Women's Health and Genetics/Laboratory Corporation of America, LabCorp
Classification: Benign. Last evaluated: 2018-06-04. Review status: criteria provided, single submitter. Criteria: LabCorp Variant Classification Summary - May 2015. Collection method: clinical testing. Allele origin: germline.
Comment: Variant summary: SMPD1 c.807C>T alters a non-conserved nucleotide resulting in a synonymous change. 5/5 computational tools predict no significant impact on normal splicing. However, these predictions have yet to be confirmed by functional studies. The variant allele was found at a frequency of 0.0049 in 120406 control chromosomes, predominantly at a frequency of 0.056 within the African or African-American subpopulation in the ExAC database, including 19 homozygotes. The observed variant frequency within African or African-American control individuals in the ExAC database is approximately 25.14 fold of the estimated maximal expected allele frequency for a pathogenic variant in SMPD1 causing Niemann-Pick Disease Type A phenotype (0.0022), strongly suggesting that the variant is a benign polymorphism found primarily in populations of African or African-American origin. To our knowledge, no occurrence of c.807C>T in individuals affected with Niemann-Pick Disease Type A and no experimental evidence demonstrating its impact on protein function have been reported. Two clinical diagnostic laboratories have submitted clinical-significance assessments for this variant to ClinVar after 2014 without evidence for independent evaluation. All laboratories classified the variant as benign/likely benign. Based on the evidence outlined above, the variant was classified as benign.

Illumina Laboratory Services, Illumina
Classification: Benign for Niemann-Pick disease, type A. Last evaluated: 2018-01-13. Review status: criteria provided, single submitter. Criteria: ICSL Variant Classification Criteria 13 December 2019. Collection method: clinical testing. Allele origin: germline.
Comment: This variant was observed in the ICSL laboratory as part of a predisposition screen in an ostensibly healthy population. It had not been previously curated by ICSL or reported in the Human Gene Mutation Database (HGMD: prior to June 1st, 2018), and was therefore a candidate for classification through an automated scoring system. Utilizing variant allele frequency, disease prevalence and penetrance estimates, and inheritance mode, an automated score was calculated to assess if this variant is too frequent to cause the disease. Based on the score and internal cut-off values, a variant classified as benign is not then subjected to further curation. The score for this variant resulted in a classification of benign for this disease.

Eurofins Ntd Llc (ga)
Classification: Benign. Last evaluated: 2016-02-05. Review status: criteria provided, single submitter. Criteria: EGL Classification Definitions 2015. Collection method: clinical testing. Allele origin: germline. Observed: 3 variant alleles, 3 heterozygotes.

Breakthrough Genomics
Classification: Benign. Review status: criteria provided, single submitter. Criteria: ACMG Guidelines, 2015. Collection method: not provided. Allele origin: germline. Inheritance: Autosomal recessive inheritance. Affected: yes.

Natera, Inc.
Classification: Benign for Niemann-Pick Disease, Types A/B. Last evaluated: 2017-06-14. Review status: no assertion criteria provided. Collection method: clinical testing. Allele origin: germline. Not counted in ClinVar's aggregate classification.